The following is an entry in ClinVar:

ClinVar aggregate classification (germline): Uncertain significance. Review status: criteria provided, multiple submitters, no conflicts (2 of 4 stars). 2 submissions from 2 submitters: Uncertain significance (2). Last evaluated 2024-01-23.

Conditions:
Multiple congenital anomalies-hypotonia-seizures syndrome 1 (MCAHS1). Also called: PIGN-CDG; Congenital disorder of glycosylation due to PIGN deficiency; GLYCOSYLPHOSPHATIDYLINOSITOL BIOSYNTHESIS DEFECT 3. Identifiers: Orphanet 280633, MedGen C3279775, MONDO:0013563, OMIM 614080.

Allele frequency attached by ClinVar (database versions not stated): gnomAD exomes below 0.00001; TOPMed below 0.00001; gnomAD 0.00001.
gnomAD v4.1: 5 of 1,550,966 alleles (0.00032%); highest among the groups gnomAD compares: Non-Finnish European, 0.00044%; no homozygotes.

Submissions (2):

Blueprint Genetics
Classification: Uncertain significance. Last evaluated: 2024-01-23. Review status: criteria provided, single submitter. Criteria: ACMG Guidelines, 2015. Collection method: clinical testing. Allele origin: germline.

Labcorp Genetics (formerly Invitae), Labcorp
Classification: Uncertain significance for Multiple congenital anomalies-hypotonia-seizures syndrome 1. Last evaluated: 2022-04-04. Review status: criteria provided, single submitter. Criteria: Invitae Variant Classification Sherloc (09022015). Collection method: clinical testing. Allele origin: germline.
Comment: This sequence change replaces tryptophan, which is neutral and slightly polar, with arginine, which is basic and polar, at codon 177 of the PIGN protein (p.Trp177Arg). This variant is present in population databases (no rsID available, gnomAD 0.0009%). This variant has not been reported in the literature in individuals affected with PIGN-related conditions. Algorithms developed to predict the effect of missense changes on protein structure and function (SIFT, PolyPhen-2, Align-GVGD) all suggest that this variant is likely to be disruptive. In summary, the available evidence is currently insufficient to determine the role of this variant in disease. Therefore, it has been classified as a Variant of Uncertain Significance.

NM_176787.5(PIGN):c.529T>C (p.Trp177Arg)

Gene: PIGN (phosphatidylinositol glycan anchor biosynthesis class N; minus strand). Cytogenetic location: 18q21.33.
Variant type: single nucleotide variant.
Coding change: c.529T>C on transcript NM_176787.5 (MANE Select); coding-DNA position 529, T replaced by C.
Protein change: p.Trp177Arg; replaces tryptophan 177 with arginine.
Molecular consequence: missense variant.
Genome position (GRCh38, 1-based): chr18:62,154,565, A>G on the plus strand (T>C on the coding strand, the complement: PIGN is on the minus strand). VCF-style: chr18-62154565-A-G. GRCh37 (hg19) VCF-style: chr18-59821798-A-G.
Other names: c.529T>C, p.Trp177Arg (NM_012327.6); short protein forms W177R.
Identifiers: ClinVar variation 2164733 (VCV002164733.2), dbSNP rs1420211399, ClinGen allele CA402602751.
Genomic context (GRCh38, chr18:62,154,565, plus strand): 5'-AAATATGCTTTTTGTATATTAACCACTCAATAGCACAAACCTTAACATTATCAAAAACCC[A>G]CGTATCCAGTTTTGTTGCATCTTGAGCACCAAAATCCTCTCTTTTAGCATCATAACTATA-3'
Protein context (NP_789744.1, residues 167-187): GAQDATKLDT[Trp177Arg]VFDNVKDFFH